The following is an entry in ClinVar:

NM_000435.3(NOTCH3):c.1675T>G (p.Cys559Gly)

Gene: NOTCH3 (notch receptor 3; minus strand). Cytogenetic location: 19p13.12.
Variant type: single nucleotide variant.
Coding change: c.1675T>G on transcript NM_000435.3 (MANE Select); coding-DNA position 1675, T replaced by G.
Protein change: p.Cys559Gly; replaces cysteine 559 with glycine.
Molecular consequence: missense variant.
Genome position (GRCh38, 1-based): chr19:15,187,270, A>C on the plus strand (T>G on the coding strand, the complement: NOTCH3 is on the minus strand). VCF-style: chr19-15187270-A-C. GRCh37 (hg19) VCF-style: chr19-15298081-A-C.
Other names: short protein forms C559G.
Identifiers: ClinVar variation 3337407 (VCV003337407.2).

ClinVar aggregate classification (germline): Conflicting classifications of pathogenicity. Review status: criteria provided, conflicting classifications (1 of 4 stars). 2 submissions from 2 submitters: Likely pathogenic (1); Uncertain significance (1). Last evaluated 2025-06-26.

Conditions:
Cerebral arteriopathy, autosomal dominant, with subcortical infarcts and leukoencephalopathy, type 1 (CADASIL1). Also called: CADASIL 1; CASIL; Cerebral arteriopathy with subcortical infarcts and leukoencephalopathy 1; DEMENTIA, HEREDITARY MULTIINFARCT TYPE. Identifiers: Orphanet 136, MedGen C4551768, MONDO:0000914, OMIM 125310.

Submissions (2):

Institute of Human Genetics, University of Leipzig Medical Center
Classification: Likely pathogenic for Cerebral arteriopathy, autosomal dominant, with subcortical infarcts and leukoencephalopathy, type 1. Last evaluated: 2025-06-26. Review status: criteria provided, single submitter. Criteria: ACMG Guidelines, 2015. Collection method: clinical testing. Allele origin: maternal. Inheritance: Autosomal dominant inheritance. Affected: yes.
Comment: Criteria applied: PM2,PM5,PP2,PP3

Clinical Genetics Laboratory, Skane University Hospital Lund
Classification: Uncertain significance. Last evaluated: 2022-05-27. Review status: criteria provided, single submitter. Criteria: ACMG Guidelines, 2015. Collection method: clinical testing. Allele origin: germline. Affected: yes.